The following is an entry in ClinVar:

NM_001243279.3(ACSF3):c.*4G>A

Gene: ACSF3 (acyl-CoA synthetase family member 3; plus strand). Cytogenetic location: 16q24.3.
Variant type: single nucleotide variant.
Coding change: c.*4G>A on transcript NM_001243279.3 (MANE Select); 4 bases downstream of the stop codon, G replaced by A.
Molecular consequence: 3 prime UTR variant. On other transcripts: non-coding transcript variant (4).
Genome position (GRCh38, 1-based): chr16:89,154,211, G>A. VCF-style: chr16-89154211-G-A. GRCh37 (hg19) VCF-style: chr16-89220619-G-A.
Other names: c.*4G>A (NM_001127214.4, NM_001284316.2, NM_174917.5 and 1 more transcripts).
Identifiers: ClinVar variation 992108 (VCV000992108.3), dbSNP rs184912682, ClinGen allele CA8238386.

ClinVar aggregate classification (germline): Conflicting classifications of pathogenicity. Review status: no assertion criteria provided (0 of 4 stars). 2 submissions from 2 submitters: Uncertain significance (1); Likely benign (1). Last evaluated 2020-08-13.

Conditions:
Methylmalonic acidemia (MMA). Also called: Isolated Methylmalonic Acidemia. Identifiers: MedGen C0268583, MeSH C537358, MONDO:0002012, HP:0002912.
ACSF3-related disorder. Also called: ACSF3-related condition.

Allele frequency attached by ClinVar (database versions not stated): gnomAD exomes 0.00015; ExAC 0.00021; ESP Exome Variant Server 0.00054; gnomAD 0.00063 and 0.00069; 1000 Genomes Project 0.00080; TOPMed 0.00080; 1000 Genomes Project 30x 0.00094.
gnomAD v4.1: 205 of 1,612,742 alleles (0.013%); highest among the groups gnomAD compares: African/African-American, 0.22%; no homozygotes.

Submissions (2):

Natera, Inc.
Classification: Uncertain significance for Methylmalonic acidemia. Last evaluated: 2020-08-13. Review status: no assertion criteria provided. Collection method: clinical testing. Allele origin: germline.

PreventionGenetics, part of Exact Sciences
Classification: Likely benign for ACSF3-related condition. Last evaluated: 2020-03-03. Review status: no assertion criteria provided. Collection method: clinical testing. Allele origin: germline.
Comment: This variant is classified as likely benign based on ACMG/AMP sequence variant interpretation guidelines (Richards et al. 2015 PMID: 25741868, with internal and published modifications).